The following is an entry in ClinVar:

ClinVar aggregate classification (germline): Conflicting classifications of pathogenicity. Review status: criteria provided, conflicting classifications (1 of 4 stars). 3 submissions from 3 submitters: Uncertain significance (1); Benign (1); Likely benign (1). Last evaluated 2025-03-12.

Conditions:
Hereditary cancer-predisposing syndrome. Also called: Tumor predisposition; Hereditary Cancer Syndrome; Neoplastic Syndromes, Hereditary; Hereditary neoplastic syndrome. Identifiers: Orphanet 140162, MedGen C0027672, MeSH D009386, MONDO:0015356.
Lynch syndrome 5 (LYNCH5). Also called: Colorectal cancer, hereditary nonpolyposis, type 5; Hereditary non-polyposis colorectal cancer, type 5. Identifiers: Orphanet 144, MedGen C1833477, MONDO:0013710, OMIM 614350. Disease mechanism: loss of function.

Submissions (3):

Quest Diagnostics Nichols Institute San Juan Capistrano
Classification: Uncertain significance. Last evaluated: 2025-03-12. Review status: criteria provided, single submitter. Criteria: Quest Diagnostics criteria. Collection method: clinical testing. Allele origin: unknown.
Comment: The MSH6 c.2863C>T (p.Leu955=) synonymous variant has not been reported in individuals with MSH6-related conditions in the published literature. It also has not been reported in large, multi-ethnic general populations (Genome Aggregation Database). Analysis of this variant using software algorithms for the prediction of the effect of nucleotide changes on splicing yielded predictions that this variant does not affect MSH6 mRNA splicing. Based on the available information, we are unable to determine the clinical significance of this variant.

Myriad Genetics, Inc.
Classification: Benign for Lynch syndrome 5. Last evaluated: 2025-01-03. Review status: criteria provided, single submitter. Criteria: Myriad Autosomal Dominant, Autosomal Recessive and X-Linked Classification Criteria (2023). Collection method: clinical testing. Allele origin: unknown.
Comment: This variant is considered benign. This variant is a silent/synonymous amino acid change and it is not expected to impact splicing.

Ambry Genetics
Classification: Likely benign for Hereditary cancer-predisposing syndrome. Last evaluated: 2019-03-28. Review status: criteria provided, single submitter. Criteria: Ambry Variant Classification Scheme 2023. Collection method: clinical testing. Allele origin: germline.

NM_000179.3(MSH6):c.2863C>T (p.Leu955=)

Gene: MSH6 (mutS homolog 6; plus strand). Cytogenetic location: 2p16.3.
Variant type: single nucleotide variant.
Coding change: c.2863C>T on transcript NM_000179.3 (MANE Select); coding-DNA position 2863, C replaced by T.
Protein change: p.Leu955=; no amino-acid change (leucine 955 retained).
Molecular consequence: synonymous variant.
Genome position (GRCh38, 1-based): chr2:47,800,846, C>T. VCF-style: chr2-47800846-C-T. GRCh37 (hg19) VCF-style: chr2-48027985-C-T.
Other names: c.2473C>T, p.Leu825= (NM_001281492.2); c.1957C>T, p.Leu653= (NM_001281493.2, NM_001281494.2).
Identifiers: ClinVar variation 821921 (VCV000821921.7), dbSNP rs1401779172, ClinGen allele CA426121962.
Genomic context (GRCh38, chr2:47,800,846, plus strand): 5'-TCTGATTATGACCAAGCTCTTGCTGACATAAGAGAAAATGAACAGAGCCTCCTGGAATAC[C>T]TAGAGAAACAGCGCAACAGAATTGGCTGTAGGACCATAGTCTATTGGGGGATTGGTAGGA-3'
Protein context (NP_000170.1, residues 945-965): RENEQSLLEY[Leu955=]EKQRNRIGCR